The following is an entry in ClinVar:

NM_017644.3(KLHL24):c.1661_1668delinsGATATATCCTGGGCG (p.Glu554fs)

Gene: KLHL24 (kelch like family member 24; plus strand). Cytogenetic location: 3q27.1.
Variant type: Indel.
Coding change: c.1661_1668delinsGATATATCCTGGGCG on transcript NM_017644.3 (MANE Select); coding-DNA positions 1661 to 1668, AAAATGGA replaced by GATATATCCTGGGCG.
Protein change: p.Glu554fs; shifts the reading frame from glutamic acid 554.
Molecular consequence: frameshift variant. On other transcripts: non-coding transcript variant (2).
Genome position (GRCh38, 1-based): chr3:183,679,144-183,679,151, AAAATGGA replaced by GATATATCCTGGGCG. VCF-style: chr3-183679144-AAAATGGA-GATATATCCTGGGCG. GRCh37 (hg19) VCF-style: chr3-183396932-AAAATGGA-GATATATCCTGGGCG.
Other names: c.1736_1743delinsGATATATCCTGGGCG, p.Glu579fs (NM_001349413.1, NM_001349414.1, NM_001349415.1 and 3 more transcripts); c.1661_1668delinsGATATATCCTGGGCG, p.Glu554fs (NM_001349419.1, NM_001349420.1, NM_001349421.1 and 5 more transcripts); c.818_825delinsGATATATCCTGGGCG, p.Glu273fs (NM_001349428.1, NM_001349429.1); short protein forms E273fs, E554fs, E579fs.
Identifiers: ClinVar variation 3776304 (VCV003776304.1).
Genomic context (GRCh38, chr3:183,679,144, plus strand): 5'-AGGAAAACTGTGGTATGTCTGTGTGTAATGGTAAAATATATATCCTGGGCGGAAGACGGG[AAAATGGA>GATATATCCTGGGCG]GAAGCCACAGACACTATTCTCTGTTATGATCCTGCAACAAGTATCATCACAGGGGTAGCT-3'

ClinVar aggregate classification (germline): Uncertain significance (1 of 4 stars; one submission).

Conditions:
Cardiomyopathy, familial hypertrophic, 29, with polyglucosan bodies (CMH29). Identifiers: MedGen C5774308, MONDO:0859372, OMIM 620236.

Submission:

3billion
Classification: Uncertain significance for Cardiomyopathy, familial hypertrophic, 29, with polyglucosan bodies. Last evaluated: 2023-07-31. Review status: criteria provided, single submitter. Criteria: ACMG Guidelines, 2015. Collection method: clinical testing. Allele origin: germline. Affected: yes.
Comment: The variant is not observed in the gnomAD v2.1.1 dataset. Predicted consequence: Frameshift - predicted to result in a loss or disruption of normal protein function through protein truncation. Therefore, this variant is classified as VUS according to the recommendation of ACMG/AMP guideline.